The following is an entry in ClinVar:

ClinVar aggregate classification (germline): Benign/Likely benign. Review status: criteria provided, multiple submitters, no conflicts (2 of 4 stars). 3 submissions from 3 submitters: Benign (2); Likely benign (1). Last evaluated 2026-01-01.

Allele frequency attached by ClinVar (database versions not stated): 1000 Genomes Project 0.00280; 1000 Genomes Project 30x 0.00281; TOPMed 0.00385; gnomAD 0.00533 and 0.00548; ESP Exome Variant Server 0.00558; gnomAD exomes 0.00623 and 0.00710; ExAC 0.00672.
gnomAD v4.1: 11,047 of 1,613,118 alleles (0.68%); highest among the groups gnomAD compares: Middle Eastern, 0.78%; 61 homozygotes.

Submissions (3):

CeGaT Center for Human Genetics Tuebingen
Classification: Likely benign. Last evaluated: 2026-01-01. Review status: criteria provided, single submitter. Criteria: CeGaT Center For Human Genetics Tuebingen Variant Classification Criteria Version 2. Collection method: clinical testing. Allele origin: germline. Affected: yes. Observed: 3 variant alleles.
Comment: HECTD4: BP4, BP7, BS2

Labcorp Genetics (formerly Invitae), Labcorp
Classification: Benign. Last evaluated: 2018-06-23. Review status: criteria provided, single submitter. Criteria: Invitae Variant Classification Sherloc (09022015). Collection method: clinical testing. Allele origin: germline.

Breakthrough Genomics
Classification: Benign. Review status: criteria provided, single submitter. Criteria: ACMG Guidelines, 2015. Collection method: not provided. Allele origin: germline. Inheritance: Unknown mechanism. Affected: yes.

NM_001388303.1(HECTD4):c.13083G>A (p.Pro4361=)

Gene: HECTD4 (HECT domain E3 ubiquitin protein ligase 4; minus strand). Cytogenetic location: 12q24.13.
Variant type: single nucleotide variant.
Coding change: c.13083G>A on transcript NM_001388303.1 (MANE Select); coding-DNA position 13083, G replaced by A.
Protein change: p.Pro4361=; no amino-acid change (proline 4361 retained).
Molecular consequence: synonymous variant.
Genome position (GRCh38, 1-based): chr12:112,163,079, C>T on the plus strand (G>A on the coding strand, the complement: HECTD4 is on the minus strand). VCF-style: chr12-112163079-C-T. GRCh37 (hg19) VCF-style: chr12-112600883-C-T.
Other names: c.13113G>A, p.Pro4371= (NM_001109662.4).
Identifiers: ClinVar variation 773266 (VCV000773266.28), dbSNP rs183882784, ClinGen allele CA6795498.